The following is an entry in ClinVar:

ClinVar aggregate classification (germline): Uncertain significance. Review status: criteria provided, multiple submitters, no conflicts (2 of 4 stars). 2 submissions from 2 submitters: Uncertain significance (2). Last evaluated 2023-02-13.

Conditions:
Hereditary cancer-predisposing syndrome. Also called: Neoplastic Syndromes, Hereditary; Tumor predisposition; Hereditary Cancer Syndrome; Hereditary neoplastic syndrome. Identifiers: Orphanet 140162, MedGen C0027672, MeSH D009386, MONDO:0015356.
Familial adenomatous polyposis 1 (FAP1). Also called: FAMILIAL ADENOMATOUS POLYPOSIS 1, ATTENUATED; POLYPOSIS, ADENOMATOUS INTESTINAL. Identifiers: MedGen C2713442, MONDO:0021056, OMIM 175100. Disease mechanism: loss of function.

Submissions (2):

Labcorp Genetics (formerly Invitae), Labcorp
Classification: Uncertain significance for Familial adenomatous polyposis 1. Last evaluated: 2023-02-13. Review status: criteria provided, single submitter. Criteria: Invitae Variant Classification Sherloc (09022015). Collection method: clinical testing. Allele origin: germline.
Comment: This sequence change replaces threonine, which is neutral and polar, with isoleucine, which is neutral and non-polar, at codon 1496 of the APC protein (p.Thr1496Ile). This variant is present in population databases (rs2229996, gnomAD 0.003%). In summary, the available evidence is currently insufficient to determine the role of this variant in disease. Therefore, it has been classified as a Variant of Uncertain Significance. Advanced modeling of protein sequence and biophysical properties (such as structural, functional, and spatial information, amino acid conservation, physicochemical variation, residue mobility, and thermodynamic stability) performed at Invitae indicates that this missense variant is not expected to disrupt APC protein function. ClinVar contains an entry for this variant (Variation ID: 923930). This variant has not been reported in the literature in individuals affected with APC-related conditions.

Color Diagnostics, LLC DBA Color Health
Classification: Uncertain significance for Hereditary cancer-predisposing syndrome. Last evaluated: 2019-12-03. Review status: criteria provided, single submitter. Criteria: ACMG Guidelines, 2015. Collection method: clinical testing. Allele origin: germline.
Comment: This missense variant replaces threonine with isoleucine at codon 1496 of the APC protein. Computational prediction is inconclusive regarding the impact of this variant on protein structure and function (internally defined REVEL score threshold 0.5 < inconclusive < 0.7, PMID: 27666373). Splice site prediction tools suggest that this variant may not impact RNA splicing. To our knowledge, functional studies have not been performed for this variant. This variant has not been reported in individuals affected with hereditary cancer in the literature. This variant has been identified in 1/250300 chromosomes in the general population by the Genome Aggregation Database (gnomAD). The available evidence is insufficient to determine the role of this variant in disease conclusively. Therefore, this variant is classified as a Variant of Uncertain Significance.

NM_000038.6(APC):c.4487C>T (p.Thr1496Ile)

Gene: APC (APC regulator of Wnt signaling pathway; plus strand). Cytogenetic location: 5q22.2.
Variant type: single nucleotide variant.
Coding change: c.4487C>T on transcript NM_000038.6 (MANE Select); coding-DNA position 4487, C replaced by T.
Protein change: p.Thr1496Ile; replaces threonine 1496 with isoleucine.
Molecular consequence: missense variant.
Genome position (GRCh38, 1-based): chr5:112,840,081, C>T. VCF-style: chr5-112840081-C-T. GRCh37 (hg19) VCF-style: chr5-112175778-C-T.
Other names: c.4487C>T, p.Thr1496Ile (NM_001127510.3, NM_001354895.2); c.4433C>T, p.Thr1478Ile (NM_001127511.3); c.4541C>T, p.Thr1514Ile (NM_001354896.2); c.4517C>T, p.Thr1506Ile (NM_001354897.2); c.4412C>T, p.Thr1471Ile (NM_001354898.2); c.4403C>T, p.Thr1468Ile (NM_001354899.2); c.4364C>T, p.Thr1455Ile (NM_001354900.2); c.4310C>T, p.Thr1437Ile (NM_001354901.2); and 5 more; short protein forms T1336I, T1455I, T1213I, T1395I, T1496I, T1506I, T1405I, T1437I.
Identifiers: ClinVar variation 923930 (VCV000923930.8), dbSNP rs2229996, ClinGen allele CA039222.